The following is an entry in ClinVar:

NM_001197104.2(KMT2A):c.10210C>T (p.Pro3404Ser)

Gene: KMT2A (lysine methyltransferase 2A; plus strand). Cytogenetic location: 11q23.3.
Variant type: single nucleotide variant.
Coding change: c.10210C>T on transcript NM_001197104.2 (MANE Select); coding-DNA position 10210, C replaced by T.
Protein change: p.Pro3404Ser; replaces proline 3404 with serine.
Molecular consequence: missense variant.
Genome position (GRCh38, 1-based): chr11:118,506,102, C>T. VCF-style: chr11-118506102-C-T. GRCh37 (hg19) VCF-style: chr11-118376817-C-T.
Other names: c.10300C>T, p.Pro3434Ser (NM_001412597.1); c.10201C>T, p.Pro3401Ser (NM_005933.4); short protein forms P3404S, P3434S, P3401S.
Identifiers: ClinVar variation 2178748 (VCV002178748.4), dbSNP rs782311824, ClinGen allele CA6304704.

ClinVar aggregate classification (germline): Uncertain significance (1 of 4 stars; one submission).

gnomAD v4.1: 6 of 1,614,180 alleles (0.00037%); highest among the groups gnomAD compares: South Asian, 0.0055%; no homozygotes.

Submission:

Labcorp Genetics (formerly Invitae), Labcorp
Classification: Uncertain significance. Last evaluated: 2022-04-08. Review status: criteria provided, single submitter. Criteria: Invitae Variant Classification Sherloc (09022015). Collection method: clinical testing. Allele origin: germline.
Comment: Advanced modeling of protein sequence and biophysical properties (such as structural, functional, and spatial information, amino acid conservation, physicochemical variation, residue mobility, and thermodynamic stability) performed at Invitae indicates that this missense variant is not expected to disrupt KMT2A protein function. This variant has not been reported in the literature in individuals affected with KMT2A-related conditions. This variant is present in population databases (rs782311824, gnomAD 0.006%). This sequence change replaces proline, which is neutral and non-polar, with serine, which is neutral and polar, at codon 3404 of the KMT2A protein (p.Pro3404Ser). In summary, the available evidence is currently insufficient to determine the role of this variant in disease. Therefore, it has been classified as a Variant of Uncertain Significance.